The following is an entry in ClinVar:

NM_032228.6(FAR1):c.1132A>T (p.Met378Leu)

Gene: FAR1 (fatty acyl-CoA reductase 1; plus strand). Cytogenetic location: 11p15.3.
Variant type: single nucleotide variant.
Coding change: c.1132A>T on transcript NM_032228.6 (MANE Select); coding-DNA position 1132, A replaced by T.
Protein change: p.Met378Leu; replaces methionine 378 with leucine.
Molecular consequence: missense variant.
Genome position (GRCh38, 1-based): chr11:13,721,734, A>T. VCF-style: chr11-13721734-A-T. GRCh37 (hg19) VCF-style: chr11-13743281-A-T.
Other names: short protein forms M378L.
Identifiers: ClinVar variation 1715827 (VCV001715827.5), dbSNP rs112837564, ClinGen allele CA379858634.
Genomic context (GRCh38, chr11:13,721,734, plus strand): 5'-AGGATTTTTCCTAATCTATACAAAATATGAATCTGTCCATTTTTCTTACAATACAGGATG[A>T]TGAAAACAATAACTCGTCTTCACAAAGCTATGGTGTTTCTTGAATATTTCACAAGTAATT-3'
Protein context (NP_115604.1, residues 368-388): LRMTGRSPRM[Met378Leu]KTITRLHKAM

ClinVar aggregate classification (germline): Uncertain significance (1 of 4 stars; one submission).

Submission:

Labcorp Genetics (formerly Invitae), Labcorp
Classification: Uncertain significance. Last evaluated: 2022-12-06. Review status: criteria provided, single submitter. Criteria: Invitae Variant Classification Sherloc (09022015). Collection method: clinical testing. Allele origin: germline.
Comment: This sequence change replaces methionine, which is neutral and non-polar, with leucine, which is neutral and non-polar, at codon 378 of the FAR1 protein (p.Met378Leu). This variant is not present in population databases (gnomAD no frequency). This variant has not been reported in the literature in individuals affected with FAR1-related conditions. ClinVar contains an entry for this variant (Variation ID: 1715827). Advanced modeling of protein sequence and biophysical properties (such as structural, functional, and spatial information, amino acid conservation, physicochemical variation, residue mobility, and thermodynamic stability) performed at Invitae indicates that this missense variant is not expected to disrupt FAR1 protein function. In summary, the available evidence is currently insufficient to determine the role of this variant in disease. Therefore, it has been classified as a Variant of Uncertain Significance.